The following is an entry in ClinVar:

NM_133379.5(TTN):c.11806C>A (p.Arg3936=)

Gene: TTN (titin; minus strand). Cytogenetic location: 2q31.2.
Variant type: single nucleotide variant.
Coding change: c.11806C>A on transcript NM_133379.5; coding-DNA position 11806, C replaced by A.
Protein change: p.Arg3936=; no amino-acid change (arginine 3936 retained).
Molecular consequence: synonymous variant. On other transcripts: intron variant (6).
Genome position (GRCh38, 1-based): chr2:178,750,594, G>T on the plus strand (C>A on the coding strand, the complement: TTN is on the minus strand). VCF-style: chr2-178750594-G-T. GRCh37 (hg19) VCF-style: chr2-179615321-G-T.
Other names: c.10360+2530C>A (NM_133378.4, NM_001256850.1); c.11311+2530C>A (NM_001267550.2); c.11806C>A (NM_133379.4); c.10222+2530C>A (NM_003319.4); c.10798+2530C>A (NM_133437.4); c.10597+2530C>A (NM_133432.3).
Identifiers: ClinVar variation 378801 (VCV000378801.31), dbSNP rs147087155, ClinGen allele CA2003674.
Genomic context (GRCh38, chr2:178,750,594, plus strand): 5'-AAACTTCTTGAGATTCAATTTCTTGAAGAAATGAAGGTGGGCAACGTTGTGGGCGTTTTC[G>T]AAAAGAATTTTCAAAAAATCTCATGTTTTCTTCCTTCTGTTCGGTTTTGAATTCATCAAT-3'

ClinVar aggregate classification (germline): Benign/Likely benign. Review status: criteria provided, multiple submitters, no conflicts (2 of 4 stars). 6 submissions from 6 submitters: Benign (1); Likely benign (3). 2 of the submissions do not count toward it. Last evaluated 2026-03-01.

Conditions:
TTN-related disorder. Also called: TTN-related condition; TTN-related disease; TTN-related disorders.

Allele frequency attached by ClinVar (database versions not stated): ESP Exome Variant Server 0.00015; 1000 Genomes Project 30x 0.00016; 1000 Genomes Project 0.00020; TOPMed 0.00020.
gnomAD v4.1: 288 of 1,612,286 alleles (0.018%); highest among the groups gnomAD compares: South Asian, 0.063%; 3 homozygotes.

Submissions (6):

CeGaT Center for Human Genetics Tuebingen
Classification: Likely benign. Last evaluated: 2026-03-01. Review status: criteria provided, single submitter. Criteria: CeGaT Center For Human Genetics Tuebingen Variant Classification Criteria Version 2. Collection method: clinical testing. Allele origin: germline. Affected: yes. Observed: 3 variant alleles.
Comment: TTN: BP4

Molecular Diagnostic Laboratory for Inherited Cardiovascular Disease, Montreal Heart Institute
Classification: Likely benign. Last evaluated: 2025-04-09. Review status: criteria provided, single submitter. Criteria: ACMG Guidelines, 2015. Collection method: clinical testing. Allele origin: germline. Affected: no.
Comment: BS1;BP7

PreventionGenetics, part of Exact Sciences
Classification: Likely benign for TTN-related condition. Last evaluated: 2025-03-20. Review status: criteria provided, single submitter. Criteria: ACMG Guidelines, 2015. Collection method: clinical testing. Allele origin: germline.
Comment: This variant is classified as likely benign based on ACMG/AMP sequence variant interpretation guidelines (Richards et al. 2015 PMID: 25741868, with internal and published modifications).

GeneDx
Classification: Benign. Last evaluated: 2015-06-09. Review status: criteria provided, single submitter. Criteria: GeneDx Variant Classification (06012015). Collection method: clinical testing. Allele origin: germline. Affected: yes.
Comment: This variant is considered likely benign or benign based on one or more of the following criteria: it is a conservative change, it occurs at a poorly conserved position in the protein, it is predicted to be benign by multiple in silico algorithms, and/or has population frequency not consistent with disease.

Clinical Genetics, Academic Medical Center
Classification: Benign. Review status: no assertion criteria provided. Collection method: clinical testing. Allele origin: germline. Affected: yes. Study: VKGL Data-share Consensus. Not counted in ClinVar's aggregate classification.

Joint Genome Diagnostic Labs from Nijmegen and Maastricht, Radboudumc and MUMC+
Classification: Likely benign. Review status: no assertion criteria provided. Collection method: clinical testing. Allele origin: germline. Affected: yes. Study: VKGL Data-share Consensus. Not counted in ClinVar's aggregate classification.